The following is an entry in ClinVar:

NM_000535.7(PMS2):c.2139G>C (p.Gln713His)

Gene: PMS2 (PMS1 homolog 2, mismatch repair system component; minus strand). Cytogenetic location: 7p22.1.
Variant type: single nucleotide variant.
Coding change: c.2139G>C on transcript NM_000535.7 (MANE Select); coding-DNA position 2139, G replaced by C.
Protein change: p.Gln713His; replaces glutamine 713 with histidine.
Molecular consequence: missense variant. On other transcripts: non-coding transcript variant (1), intron variant (4).
Genome position (GRCh38, 1-based): chr7:5,982,859, C>G on the plus strand (G>C on the coding strand, the complement: PMS2 is on the minus strand). VCF-style: chr7-5982859-C-G. GRCh37 (hg19) VCF-style: chr7-6022490-C-G.
Other names: c.1734G>C, p.Gln578His (NM_001018040.1, NM_001322003.2, NM_001322004.2 and 15 more transcripts); c.1983G>C, p.Gln661His (NM_001322006.2, NM_001406870.1); c.1821G>C, p.Gln607His (NM_001322007.2, NM_001322008.2, NM_001406876.1 and 1 more transcripts); c.1578G>C, p.Gln526His (NM_001322010.2, NM_001406906.1, NM_001406907.1); c.1206G>C, p.Gln402His (NM_001322011.2, NM_001322012.2); c.1566G>C, p.Gln522His (NM_001322013.2, NM_001406909.1); c.2139G>C, p.Gln713His (NM_001322014.2, NM_001406871.1); c.1830G>C, p.Gln610His (NM_001322015.2, NM_001406875.1, NM_001406877.1 and 5 more transcripts); and 16 more; short protein forms Q522H, Q526H, Q610H, Q657H, Q661H, Q775H, Q402H, Q456H.
Identifiers: ClinVar variation 2566080 (VCV002566080.5), dbSNP rs2128702808, ClinGen allele CA366737907.

ClinVar aggregate classification (germline): Uncertain significance. Review status: criteria provided, multiple submitters, no conflicts (2 of 4 stars). 2 submissions from 2 submitters: Uncertain significance (2). Last evaluated 2023-09-03.

Conditions:
Hereditary nonpolyposis colorectal neoplasms. Identifiers: MedGen C0009405, MeSH D003123.
Hereditary cancer-predisposing syndrome. Also called: Neoplastic Syndromes, Hereditary; Hereditary Cancer Syndrome; Hereditary neoplastic syndrome; Tumor predisposition. Identifiers: Orphanet 140162, MedGen C0027672, MeSH D009386, MONDO:0015356.

Submissions (2):

Labcorp Genetics (formerly Invitae), Labcorp
Classification: Uncertain significance for Hereditary nonpolyposis colorectal neoplasms. Last evaluated: 2023-09-03. Review status: criteria provided, single submitter. Criteria: Invitae Variant Classification Sherloc (09022015). Collection method: clinical testing. Allele origin: germline.
Comment: Advanced modeling of protein sequence and biophysical properties (such as structural, functional, and spatial information, amino acid conservation, physicochemical variation, residue mobility, and thermodynamic stability) performed at Invitae indicates that this missense variant is expected to disrupt PMS2 protein function. In summary, the available evidence is currently insufficient to determine the role of this variant in disease. Therefore, it has been classified as a Variant of Uncertain Significance. This sequence change replaces glutamine, which is neutral and polar, with histidine, which is basic and polar, at codon 713 of the PMS2 protein (p.Gln713His). The frequency data for this variant in the population databases (gnomAD) is considered unreliable due to the presence of homologous sequence, such as pseudogenes or paralogs, in the genome. This variant has not been reported in the literature in individuals affected with PMS2-related conditions. ClinVar contains an entry for this variant (Variation ID: 2566080).

Ambry Genetics
Classification: Uncertain significance for Hereditary cancer-predisposing syndrome. Last evaluated: 2023-05-11. Review status: criteria provided, single submitter. Criteria: Ambry Variant Classification Scheme 2023. Collection method: clinical testing. Allele origin: germline.
Comment: The p.Q713H variant (also known as c.2139G>C), located in coding exon 12 of the PMS2 gene, results from a G to C substitution at nucleotide position 2139. The glutamine at codon 713 is replaced by histidine, an amino acid with highly similar properties. This amino acid position is conserved. In addition, the in silico prediction for this alteration is inconclusive. Since supporting evidence is limited at this time, the clinical significance of this alteration remains unclear.